The following is an entry in ClinVar:

ClinVar aggregate classification (germline): Uncertain significance (1 of 4 stars; one submission).

Conditions:
Hypertrophic cardiomyopathy. Also called: HYPERTROPHIC MYOCARDIOPATHY. Identifiers: Orphanet 217569, MedGen C0007194, MeSH D002312, MONDO:0005045, HP:0001639.

Submission:

Labcorp Genetics (formerly Invitae), Labcorp
Classification: Uncertain significance for Hypertrophic cardiomyopathy. Last evaluated: 2023-05-11. Review status: criteria provided, single submitter. Criteria: Invitae Variant Classification Sherloc (09022015). Collection method: clinical testing. Allele origin: germline.
Comment: In summary, the available evidence is currently insufficient to determine the role of this variant in disease. Therefore, it has been classified as a Variant of Uncertain Significance. An algorithm developed to predict the effect of missense changes on protein structure and function (PolyPhen-2) suggests that this variant is likely to be disruptive. This variant has not been reported in the literature in individuals affected with JPH2-related conditions. This variant is not present in population databases (gnomAD no frequency). This sequence change replaces arginine, which is basic and polar, with serine, which is neutral and polar, at codon 323 of the JPH2 protein (p.Arg323Ser).

NM_020433.5(JPH2):c.967C>A (p.Arg323Ser)

Gene: JPH2 (junctophilin 2; minus strand). Cytogenetic location: 20q13.12.
Variant type: single nucleotide variant.
Coding change: c.967C>A on transcript NM_020433.5 (MANE Select); coding-DNA position 967, C replaced by A.
Protein change: p.Arg323Ser; replaces arginine 323 with serine.
Molecular consequence: missense variant.
Genome position (GRCh38, 1-based): chr20:44,159,820, G>T on the plus strand (C>A on the coding strand, the complement: JPH2 is on the minus strand). VCF-style: chr20-44159820-G-T. GRCh37 (hg19) VCF-style: chr20-42788460-G-T.
Other names: short protein forms R323S.
Identifiers: ClinVar variation 2862988 (VCV002862988.3), dbSNP rs745718761, ClinGen allele CA409093286.